The following is an entry in ClinVar:

ClinVar aggregate classification (germline): Uncertain significance (1 of 4 stars; one submission).

Conditions:
Hepatic methionine adenosyltransferase deficiency. Also called: Deficiency of methionine adenosyltransferase; Isolated Persistent Hypermethioninemia; MAT I/III DEFICIENCY; Methionine adenosyltransferase deficiency. Identifiers: Orphanet 168598, MedGen C0268621, MeSH C564683, MONDO:0009607, OMIM 250850.

Submission:

Labcorp Genetics (formerly Invitae), Labcorp
Classification: Uncertain significance for Hepatic methionine adenosyltransferase deficiency. Last evaluated: 2022-09-27. Review status: criteria provided, single submitter. Criteria: Invitae Variant Classification Sherloc (09022015). Collection method: clinical testing. Allele origin: unknown.
Comment: In summary, the available evidence is currently insufficient to determine the role of this variant in disease. Therefore, it has been classified as a Variant of Uncertain Significance. This variant has not been reported in the literature in individuals affected with MAT1A-related conditions. A copy number gain of the genomic region encompassing the full coding sequence of the MAT1A gene has been identified. The boundaries of this event are unknown as they extend beyond the assayed region for this gene and therefore may encompass additional genes. As the precise location of this event is unknown, it may be in tandem or it may be located elsewhere in the genome.

NC_000010.10:g.(?_81697608)_(82049179_?)dup

Genes: ANXA11 (annexin A11; minus strand), MAT1A (methionine adenosyltransferase 1A; minus strand), PLAC9 (placenta associated 9; plus strand), SFTPD (surfactant protein D; minus strand), TMEM254 (transmembrane protein 254; plus strand). Cytogenetic location: 10q22.3-23.1.
Variant type: Duplication.
Identifiers: ClinVar variation 3244819 (VCV003244819.1).